The following is an entry in ClinVar:

NM_001122630.2(CDKN1C):c.560C>T (p.Pro187Leu)

Gene: CDKN1C (cyclin dependent kinase inhibitor 1C; minus strand). Cytogenetic location: 11p15.4.
Variant type: single nucleotide variant.
Coding change: c.560C>T on transcript NM_001122630.2 (MANE Select); coding-DNA position 560, C replaced by T.
Protein change: p.Pro187Leu; replaces proline 187 with leucine.
Molecular consequence: missense variant. On other transcripts: intron variant (1).
Genome position (GRCh38, 1-based): chr11:2,884,897, G>A on the plus strand (C>T on the coding strand, the complement: CDKN1C is on the minus strand). VCF-style: chr11-2884897-G-A. GRCh37 (hg19) VCF-style: chr11-2906127-G-A.
Other names: c.593C>T, p.Pro198Leu (NM_000076.2, NM_001362474.2); c.560C>T, p.Pro187Leu (NM_001122631.2); c.255+305C>T (NM_001362475.2); short protein forms P187L, P198L.
Identifiers: ClinVar variation 1398734 (VCV001398734.9), dbSNP rs2583439, ClinGen allele CA379146372.

ClinVar aggregate classification (germline): Uncertain significance. Review status: criteria provided, multiple submitters, no conflicts (2 of 4 stars). 2 submissions from 2 submitters: Uncertain significance (2). Last evaluated 2025-03-07.

Conditions:
Beckwith-Wiedemann syndrome (BWS). Also called: EMG SYNDROME; Exomphalos macroglossia gigantism syndrome. Identifiers: Orphanet 116, MedGen C0004903, MONDO:0007534, OMIM 130650.
Inborn genetic diseases. Identifiers: MedGen C0950123, MeSH D030342.

Allele frequency attached by ClinVar (database versions not stated): gnomAD 0.00001.

Submissions (2):

Ambry Genetics
Classification: Uncertain significance for Inborn genetic diseases. Last evaluated: 2025-03-07. Review status: criteria provided, single submitter. Criteria: Ambry Variant Classification Scheme 2023. Collection method: clinical testing. Allele origin: germline.

Labcorp Genetics (formerly Invitae), Labcorp
Classification: Uncertain significance for Beckwith-Wiedemann syndrome. Last evaluated: 2024-07-08. Review status: criteria provided, single submitter. Criteria: Invitae Variant Classification Sherloc (09022015). Collection method: clinical testing. Allele origin: germline.
Comment: This sequence change replaces proline, which is neutral and non-polar, with leucine, which is neutral and non-polar, at codon 198 of the CDKN1C protein (p.Pro198Leu). The frequency data for this variant in the population databases is considered unreliable, as metrics indicate insufficient coverage at this position in the gnomAD database. This variant has not been reported in the literature in individuals affected with CDKN1C-related conditions. ClinVar contains an entry for this variant (Variation ID: 1398734). Advanced modeling of protein sequence and biophysical properties (such as structural, functional, and spatial information, amino acid conservation, physicochemical variation, residue mobility, and thermodynamic stability) performed at Invitae indicates that this missense variant is not expected to disrupt CDKN1C protein function with a negative predictive value of 80%. In summary, the available evidence is currently insufficient to determine the role of this variant in disease. Therefore, it has been classified as a Variant of Uncertain Significance.